The following is an entry in ClinVar:

ClinVar aggregate classification (germline): Likely benign (1 of 4 stars; one submission).

Allele frequency attached by ClinVar (database versions not stated): TOPMed below 0.00001; gnomAD 0.00003; ExAC 0.00009; 1000 Genomes Project 30x 0.00031; 1000 Genomes Project 0.00040.
gnomAD v4.1: 47 of 1,614,142 alleles (0.0029%); highest among the groups gnomAD compares: South Asian, 0.043%; no homozygotes.

Submission:

CeGaT Center for Human Genetics Tuebingen
Classification: Likely benign. Last evaluated: 2024-01-01. Review status: criteria provided, single submitter. Criteria: CeGaT Center For Human Genetics Tuebingen Variant Classification Criteria Version 2. Collection method: clinical testing. Allele origin: germline. Affected: yes. Observed: 1 variant allele.
Comment: HIVEP2: BP4, BP7

NM_006734.4(HIVEP2):c.324G>T (p.Gly108=)

Gene: HIVEP2 (HIVEP zinc finger 2; minus strand). Cytogenetic location: 6q24.2.
Variant type: single nucleotide variant.
Coding change: c.324G>T on transcript NM_006734.4 (MANE Select); coding-DNA position 324, G replaced by T.
Protein change: p.Gly108=; no amino-acid change (glycine 108 retained).
Molecular consequence: synonymous variant.
Genome position (GRCh38, 1-based): chr6:142,774,415, C>A on the plus strand (G>T on the coding strand, the complement: HIVEP2 is on the minus strand). VCF-style: chr6-142774415-C-A. GRCh37 (hg19) VCF-style: chr6-143095552-C-A.
Identifiers: ClinVar variation 3027002 (VCV003027002.22), dbSNP rs566135624, ClinGen allele CA4028756.
Genomic context (GRCh38, chr6:142,774,415, plus strand): 5'-GCCAGGGAAAAGCCACGGAGGACCTTCGAGGCTCTGATGTGGCTTGGTGCTGTGCATGAC[C>A]CCCTGTGGCAATGAGTGCTGAGGGAAAGAGAGTGAGTGTTGGCATGAGTAAGGACTCGGA-3'
Protein context (NP_006725.3, residues 98-118): LSFPQHSLPQ[Gly108=]VMHSTKPHQS